The following is an entry in ClinVar:

NM_017433.5(MYO3A):c.3585G>A (p.Val1195=)

Gene: MYO3A (myosin IIIA; plus strand). Cytogenetic location: 10p12.1.
Variant type: single nucleotide variant.
Coding change: c.3585G>A on transcript NM_017433.5 (MANE Select); coding-DNA position 3585, G replaced by A.
Protein change: p.Val1195=; no amino-acid change (valine 1195 retained).
Molecular consequence: synonymous variant.
Genome position (GRCh38, 1-based): chr10:26,173,849, G>A. VCF-style: chr10-26173849-G-A. GRCh37 (hg19) VCF-style: chr10-26462778-G-A.
Identifiers: ClinVar variation 4987333 (VCV004987333.1).
Genomic context (GRCh38, chr10:26,173,849, plus strand): 5'-CACCAATGCTGTGGAGAGTAACAACAGAGTGTATCAGACTCCAAAAAAAATGAATAATGT[G>A]TATGAGGAAGAGGTTAAGCAAGAATTCTACCTTGTAGGGCCAGAAGTAAGCCCCAAACAG-3'
Protein context (NP_059129.3, residues 1185-1205): VYQTPKKMNN[Val1195=]YEEEVKQEFY

ClinVar aggregate classification (germline): Likely benign (1 of 4 stars; one submission).

Conditions:
MYO3A-related disorder. Also called: MYO3A-related condition.

gnomAD v4.1: 44 of 1,613,908 alleles (0.0027%); highest among the groups gnomAD compares: Non-Finnish European, 0.0033%; no homozygotes.

Submission:

PreventionGenetics, part of Exact Sciences
Classification: Likely benign for MYO3A-related condition. Last evaluated: 2026-06-25. Review status: criteria provided, single submitter. Criteria: ACMG Guidelines, 2015. Collection method: clinical testing. Allele origin: germline.
Comment: This variant is classified as likely benign based on ACMG/AMP sequence variant interpretation guidelines (Richards et al. 2015 PMID: 25741868, with internal and published modifications).